The following is an entry in ClinVar:

NM_006904.7(PRKDC):c.2960T>C (p.Leu987Pro)

Gene: PRKDC (protein kinase, DNA-activated, catalytic subunit; minus strand). Cytogenetic location: 8q11.21.
Variant type: single nucleotide variant.
Coding change: c.2960T>C on transcript NM_006904.7 (MANE Select); coding-DNA position 2960, T replaced by C.
Protein change: p.Leu987Pro; replaces leucine 987 with proline.
Molecular consequence: missense variant.
Genome position (GRCh38, 1-based): chr8:47,904,951, A>G on the plus strand (T>C on the coding strand, the complement: PRKDC is on the minus strand). VCF-style: chr8-47904951-A-G. GRCh37 (hg19) VCF-style: chr8-48817511-A-G.
Other names: c.2960T>C, p.Leu987Pro (NM_001081640.2); short protein forms L987P.
Identifiers: ClinVar variation 1798167 (VCV001798167.2), dbSNP rs2551875905, ClinGen allele CA371157560.

ClinVar aggregate classification (germline): Uncertain significance (1 of 4 stars; one submission).

Submission:

Ambry Genetics
Classification: Uncertain significance. Last evaluated: 2022-06-02. Review status: criteria provided, single submitter. Criteria: Ambry Variant Classification Scheme 2023. Collection method: clinical testing. Allele origin: germline.
Comment: The p.L987P variant (also known as c.2960T>C), located in coding exon 26 of the PRKDC gene, results from a T to C substitution at nucleotide position 2960. The leucine at codon 987 is replaced by proline, an amino acid with similar properties. This amino acid position is conserved. In addition, this alteration is predicted to be deleterious by in silico analysis. Since supporting evidence is limited at this time, the clinical significance of this alteration remains unclear.